The following is an entry in ClinVar:

NM_001378120.1(MBD5):c.1472G>C (p.Arg491Thr)

Gene: MBD5 (methyl-CpG binding domain protein 5; plus strand). Cytogenetic location: 2q23.1.
Variant type: single nucleotide variant.
Coding change: c.1472G>C on transcript NM_001378120.1 (MANE Select); coding-DNA position 1472, G replaced by C.
Protein change: p.Arg491Thr; replaces arginine 491 with threonine.
Molecular consequence: missense variant.
Genome position (GRCh38, 1-based): chr2:148,469,415, G>C. VCF-style: chr2-148469415-G-C. GRCh37 (hg19) VCF-style: chr2-149226984-G-C.
Other names: c.1472G>C, p.Arg491Thr (NM_018328.5); short protein forms R491T.
Identifiers: ClinVar variation 1497390 (VCV001497390.35), dbSNP rs1024254683, ClinGen allele CA57578388.
Genomic context (GRCh38, chr2:148,469,415, plus strand): 5'-ATTTCATGATGCCACCTGTAGGACCCCAGGCCACTTCTAGTGGTATTAAGGTTCCACCCA[G>C]GTCACCAAGGTCAACAATAGGGTCCCCAAGGCCATCAATGCCATCAAGCCCTTCTACCAA-3'
Protein context (NP_001365049.1, residues 481-501): ATSSGIKVPP[Arg491Thr]SPRSTIGSPR

ClinVar aggregate classification (germline): Conflicting classifications of pathogenicity. Review status: criteria provided, conflicting classifications (1 of 4 stars). 4 submissions from 4 submitters: Uncertain significance (3); Likely benign (1). Last evaluated 2025-10-01.

Conditions:
Intellectual developmental disorder, autosomal dominant 1. Also called: Intellectual disability, autosomal dominant 1; MBD5 Haploinsufficiency. Identifiers: Orphanet 228402, MedGen C1969562, MONDO:0007974, OMIM 156200.

Allele frequency attached by ClinVar (database versions not stated): gnomAD exomes 0.00001.
gnomAD v4.1: 4 of 1,613,728 alleles (0.00025%); highest among the groups gnomAD compares: Non-Finnish European, 0.00034%; no homozygotes.

Submissions (4):

Labcorp Genetics (formerly Invitae), Labcorp
Classification: Uncertain significance for Intellectual developmental disorder, autosomal dominant 1. Last evaluated: 2025-10-01. Review status: criteria provided, single submitter. Criteria: Invitae Variant Classification Sherloc (09022015). Collection method: clinical testing. Allele origin: germline.
Comment: This sequence change replaces arginine, which is basic and polar, with threonine, which is neutral and polar, at codon 491 of the MBD5 protein (p.Arg491Thr). This variant is not present in population databases (gnomAD no frequency). This variant has not been reported in the literature in individuals affected with MBD5-related conditions. ClinVar contains an entry for this variant (Variation ID: 1497390). Invitae Evidence Modeling of protein sequence and biophysical properties (such as structural, functional, and spatial information, amino acid conservation, physicochemical variation, residue mobility, and thermodynamic stability) indicates that this missense variant is expected to disrupt MBD5 protein function with a positive predictive value of 80%. In summary, the available evidence is currently insufficient to determine the role of this variant in disease. Therefore, it has been classified as a Variant of Uncertain Significance.

CeGaT Center for Human Genetics Tuebingen
Classification: Uncertain significance. Last evaluated: 2022-06-01. Review status: criteria provided, single submitter. Criteria: CeGaT Center For Human Genetics Tuebingen Variant Classification Criteria Version 2. Collection method: clinical testing. Allele origin: germline. Affected: yes. Observed: 1 variant allele.
Comment: MBD5: PM2

Mendelics
Classification: Uncertain significance. Last evaluated: 2022-05-04. Review status: criteria provided, single submitter. Criteria: Mendelics Assertion Criteria 2019. Collection method: clinical testing. Allele origin: germline.

Laboratorio de Genetica e Diagnostico Molecular, Hospital Israelita Albert Einstein
Classification: Likely benign. Last evaluated: 2020-07-01. Review status: criteria provided, single submitter. Criteria: ACMG Guidelines, 2015. Collection method: clinical testing. Allele origin: germline. Affected: yes.
Comment: ACMG classification criteria: PM2, BP1, BP4